The following is an entry in ClinVar:

ClinVar aggregate classification (germline): Uncertain significance (1 of 4 stars; one submission).

Conditions:
Retinitis pigmentosa 59 (RP59). Identifiers: Orphanet 791, MedGen C3151227, MONDO:0013468, OMIM 613861.

Submission:

Labcorp Genetics (formerly Invitae), Labcorp
Classification: Uncertain significance for Retinitis pigmentosa 59. Last evaluated: 2022-10-17. Review status: criteria provided, single submitter. Criteria: Invitae Variant Classification Sherloc (09022015). Collection method: clinical testing. Allele origin: germline.
Comment: This sequence change replaces methionine, which is neutral and non-polar, with threonine, which is neutral and polar, at codon 105 of the DHDDS protein (p.Met105Thr). This variant is not present in population databases (gnomAD no frequency). This variant has not been reported in the literature in individuals affected with DHDDS-related conditions. Advanced modeling of protein sequence and biophysical properties (such as structural, functional, and spatial information, amino acid conservation, physicochemical variation, residue mobility, and thermodynamic stability) performed at Invitae indicates that this missense variant is not expected to disrupt DHDDS protein function. In summary, the available evidence is currently insufficient to determine the role of this variant in disease. Therefore, it has been classified as a Variant of Uncertain Significance.

NM_205861.3(DHDDS):c.314T>C (p.Met105Thr)

Gene: DHDDS (dehydrodolichyl diphosphate synthase subunit; plus strand). Cytogenetic location: 1p36.11.
Variant type: single nucleotide variant.
Coding change: c.314T>C on transcript NM_205861.3 (MANE Select); coding-DNA position 314, T replaced by C.
Protein change: p.Met105Thr; replaces methionine 105 with threonine.
Molecular consequence: missense variant.
Genome position (GRCh38, 1-based): chr1:26,442,864, T>C. VCF-style: chr1-26442864-T-C. GRCh37 (hg19) VCF-style: chr1-26769355-T-C.
Other names: c.314T>C, p.Met105Thr (NM_001243564.2, NM_001243565.2, NM_024887.4); c.35T>C, p.Met12Thr (NM_001319959.2); short protein forms M12T, M105T.
Identifiers: ClinVar variation 2106411 (VCV002106411.1), dbSNP rs2524517422, ClinGen allele CA339140781.